The following is an entry in ClinVar:

ClinVar aggregate classification (germline): Pathogenic. Review status: reviewed by expert panel (3 of 4 stars). 9 submissions from 9 submitters: Pathogenic (1). 8 of the submissions do not count toward it. Last evaluated 2025-06-03.

Conditions:
Glycogen storage disease, type II (IOPD). Also called: POMPE DISEASE, INFANTILE-ONSET; GLYCOGEN STORAGE DISEASE II, INFANTILE-ONSET; ACID ALPHA-GLUCOSIDASE DEFICIENCY, INFANTILE-ONSET; GAA DEFICIENCY, INFANTILE-ONSET; ACID MALTASE DEFICIENCY, INFANTILE-ONSET; Glucosidase acid-1,4-alpha deficiency. Identifiers: Orphanet 365, MedGen C0017921, MONDO:0009290, OMIM 232300.

Submissions (9):

ClinGen Lysosomal Storage Disorder Variant Curation Expert Panel
Classification: Pathogenic for Glycogen storage disease, type II. Last evaluated: 2025-06-03. Review status: reviewed by expert panel. Criteria: clingen_lsd_acmg_specifications_v2-1. Collection method: curation. Allele origin: germline. Inheritance: Autosomal recessive inheritance.
Comment: The NM_000152.5:c.1880C>T variant in GAA is a missense variant predicted to result in substitution of serine by phenylalanine at amino acid 627 (p.Ser627Phe). This variant has been reported in at least three individuals with features consistent with Pompe disease, documented with deficient GAA activity- one within <10% of normal mean in leukocytes (PMID: 29044175) and two individuals with GAA activity below reference range in muscle (PMID:28763149) (PP4_Moderate). Two of these individuals are compound heterozygous for the variant and another variant in GAA that has been classified as pathogenic by the ClinGen LD VCEP, phase known, including c.525delT (ClinVar # VCV000004033.83) (1 points) , c.-32-13T>G (ClinVar # VCV000004027.118) (PMID 28763149) (1 points) (Total 2 points, PM3_strong). In addition, both individuals are heterozygous for c.1642G>T(p.Val548Phe) (ClinVar # VCV000597381.2), which has been classified as likely benign by the ClinGen LD VCEP. In addition, a patient with infantile onset Pompe disease is documented with c.1880C>T (p.Ser627Phe), but no second variant was reported (PMID:29044175). Expression of the variant in HEK293 cells demonstrated loss of GAA activity, and the western blot showed only the 110kDa precursor band suggesting abnormal GAA processing () (PS3_moderate). The computational predictor REVEL gives a score of 0.802 which is above the threshold of 0.7, evidence that correlates with impact to GAA function (PP3). The variant is absent in gnomAD v4.1.0.(PM2_Supporting). There is a ClinVar entry for this variant (Variant ID:597382). In summary, this variant meets the criteria to be classified as Pathogenic for Pompe disease. GAA-specific ACMG/AMP criteria met, based on the specifications of the ClinGen Lysosomal Diseases Variant Curation Expert Panel (Specifications Version 2.0): PM3_strong, PS3_moderate, PP4_moderate, PM2_supporting, PP3. (Classification approved by the ClinGen Lysosomal Diseases Variant Curation Expert Panel, June 3, 2025).

Genomenon, Inc
Classification: Likely pathogenic for Glycogen storage disease, type II. Last evaluated: 2026-07-01. Review status: criteria provided, single submitter. Criteria: Genomenon Sequence Variant Interpretation Standards - Updated. Collection method: curation. Allele origin: germline. Affected: yes. Not counted in ClinVar's aggregate classification.
Comment: GAA p.Ser627Phe (c.1880C>T) is a missense variant that changes the amino acid at codon 627 from Serine to Phenylalanine. This variant has been observed in at least one proband with a GAA-related disorder in the compound heterozygous and/or homozygous state (PMID:37087815;31086307;29044175;28763149). Functional studies have been reported (PMID:31850350;29044175). It is absent or not present at a significant frequency in gnomAD. In silico models predict that this variant is possibly or probably damaging. In conclusion, we classify GAA p.Ser627Phe (c.1880C>T) as a likely pathogenic variant.

Variantyx, Inc.
Classification: Likely pathogenic for Glycogen storage disease, type II. Last evaluated: 2025-09-10. Review status: criteria provided, single submitter. Criteria: Variantyx Assertion Criteria 2022. Collection method: clinical testing. Allele origin: germline. Inheritance: Autosomal recessive inheritance. Affected: yes. Not counted in ClinVar's aggregate classification.
Comment: This is a nonsynonymous variant in the GAA gene (OMIM: 606800). Pathogenic variants in this gene have been associated with autosomal recessive glycogen storage disease II. The variant has been identified in the compound heterozygous state in individuals reported in the published literature affected with late-onset and infantile-onset Pompe disease (PMID: 23787031, 28763149, 31193175) (PM3_Strong). The clinical symptoms reported in affected individuals reported in the published literature are highly specific for autosomal recessive glycogen storage disease II, which has a limited genetic etiology (PP4_Moderate). Multiple computational algorithms predict a deleterious effect for this variant (REVEL score: 0.803) (PP3). The variant is absent from control populations (PM2_Moderate). Based on the current evidence, this variant is classified as likely pathogenic for autosomal recessive glycogen storage disease II.

GeneDx
Classification: Likely pathogenic. Last evaluated: 2025-05-08. Review status: criteria provided, single submitter. Criteria: GeneDx Variant Classification Process June 2021. Collection method: clinical testing. Allele origin: germline. Affected: yes. Not counted in ClinVar's aggregate classification.
Comment: In silico analysis supports that this missense variant has a deleterious effect on protein structure/function; Not observed at significant frequency in large population cohorts (gnomAD); This variant is associated with the following publications: (PMID: 18930676, 29122469, 29289479, 31086307, 31193175, 22644586, 23787031, 28763149)

Labcorp Genetics (formerly Invitae), Labcorp
Classification: Pathogenic for Glycogen storage disease, type II. Last evaluated: 2024-10-15. Review status: criteria provided, single submitter. Criteria: Invitae Variant Classification Sherloc (09022015). Collection method: clinical testing. Allele origin: germline. Not counted in ClinVar's aggregate classification.
Comment: This sequence change replaces serine, which is neutral and polar, with phenylalanine, which is neutral and non-polar, at codon 627 of the GAA protein (p.Ser627Phe). This variant is not present in population databases (gnomAD no frequency). This missense change has been observed in individual(s) with Pompe disease (PMID: 28763149, 23787031, 31086307, 31193175). It is often observed on the same chromosome as c.1642G>T (p.Val548Phe). It has also been observed to segregate with disease in related individuals. ClinVar contains an entry for this variant (Variation ID: 597382). Invitae Evidence Modeling of protein sequence and biophysical properties (such as structural, functional, and spatial information, amino acid conservation, physicochemical variation, residue mobility, and thermodynamic stability) indicates that this missense variant is expected to disrupt GAA protein function with a positive predictive value of 95%. For these reasons, this variant has been classified as Pathogenic.

Fulgent Genetics
Classification: Likely pathogenic for Glycogen storage disease, type II. Last evaluated: 2024-05-10. Review status: criteria provided, single submitter. Criteria: ACMG Guidelines, 2015. Collection method: clinical testing. Allele origin: germline. Not counted in ClinVar's aggregate classification.

Revvity Omics, Revvity
Classification: Likely pathogenic. Last evaluated: 2023-10-19. Review status: criteria provided, single submitter. Criteria: ACMG Guidelines, 2015. Collection method: clinical testing. Allele origin: germline. Not counted in ClinVar's aggregate classification.

Genome-Nilou Lab
Classification: Uncertain significance for Glycogen storage disease, type II. Last evaluated: 2021-07-22. Review status: criteria provided, single submitter. Criteria: ACMG Guidelines, 2015. Collection method: clinical testing. Allele origin: germline. Affected: no. Not counted in ClinVar's aggregate classification.

Eurofins Ntd Llc (ga)
Classification: Pathogenic. Last evaluated: 2018-06-08. Review status: criteria provided, single submitter. Criteria: EGL ClinVar v180209 classification definitions. Collection method: clinical testing. Allele origin: germline. Observed: 1 variant allele, 1 heterozygote. Not counted in ClinVar's aggregate classification.

Literature cited by the submitters: PubMed 37087815 (cited by Genomenon, Inc); PubMed 31086307 (cited by Genomenon, Inc and Labcorp Genetics (formerly Invitae), Labcorp); PubMed 29044175 (cited by Genomenon, Inc); PubMed 28763149 (cited by 3 submitters); PubMed 31850350 (cited by Genomenon, Inc); PubMed 23787031 (cited by Variantyx, Inc. and Labcorp Genetics (formerly Invitae), Labcorp); PubMed 31193175 (cited by Variantyx, Inc. and Labcorp Genetics (formerly Invitae), Labcorp).

NM_000152.5(GAA):c.1880C>T (p.Ser627Phe)

Gene: GAA (alpha glucosidase; plus strand). Cytogenetic location: 17q25.3.
Variant type: single nucleotide variant.
Coding change: c.1880C>T on transcript NM_000152.5 (MANE Select); coding-DNA position 1880, C replaced by T.
Protein change: p.Ser627Phe; replaces serine 627 with phenylalanine.
Molecular consequence: missense variant.
Genome position (GRCh38, 1-based): chr17:80,112,703, C>T. VCF-style: chr17-80112703-C-T. GRCh37 (hg19) VCF-style: chr17-78086502-C-T.
Other names: NM_000152.5(GAA):c.1880C>T; p.Ser627Phe; c.1880C>T (LRG_673t1); c.1880C>T, p.Ser627Phe (NM_001079803.3, NM_001079804.3); short protein forms S627F.
Identifiers: ClinVar variation 597382 (VCV000597382.25), dbSNP rs1024137874, ClinGen allele CA294896504.
Genomic context (GRCh38, chr17:80,112,703, plus strand): 5'-GCCGATACGCCGGCCACTGGACGGGGGACGTGTGGAGCTCCTGGGAGCAGCTCGCCTCCT[C>T]CGTGCCAGGTGAGCTCCTACCAGGAGGGGCTGCTCAGCAGAGTAGAGCCGGGGGCCTCTA-3'
Protein context (NP_000143.2, residues 617-637): VWSSWEQLAS[Ser627Phe]VPEILQFNLL